The following is an entry in ClinVar:

ClinVar aggregate classification (germline): Pathogenic (1 of 4 stars; one submission).

Conditions:
Marfan syndrome (MFS). Also called: MARFAN SYNDROME, TYPE I; FBN1-Related Marfan Syndrome; Marfan syndrome type 1; Marfan's syndrome; Marfan syndrome, classic. Identifiers: Orphanet 284963, Orphanet 558, MedGen C0024796, MONDO:0007947, OMIM 154700.
Familial thoracic aortic aneurysm and aortic dissection (TAAD). Also called: Thoracic aortic aneurysms and dissections. Identifiers: Orphanet 91387, MedGen C4707243, MONDO:0019625.

Submission:

Labcorp Genetics (formerly Invitae), Labcorp
Classification: Pathogenic for Marfan syndrome; Familial thoracic aortic aneurysm and aortic dissection. Last evaluated: 2017-02-02. Review status: criteria provided, single submitter. Criteria: Invitae Variant Classification Sherloc (09022015). Collection method: clinical testing. Allele origin: germline.
Comment: For these reasons, this variant has been classified as Pathogenic. While this particular variant has not been reported in the literature, loss-of-function variants in FBN1 are known to be pathogenic (PMID: 17657824, 19293843). This sequence change deletes 1 nucleotide from exon 26 of the FBN1 mRNA (c.3098delA), causing a frameshift at codon 1033. This creates a premature translational stop signal (p.Lys1033Argfs*2) and is expected to result in an absent or disrupted protein product.

Literature cited by the submitters: PubMed 17657824; PubMed 19293843.

NM_000138.5(FBN1):c.3098del (p.Lys1033fs)

Gene: FBN1 (fibrillin 1; minus strand). Cytogenetic location: 15q21.1.
Variant type: Deletion.
Coding change: c.3098del on transcript NM_000138.5 (MANE Select); coding-DNA position 3098, one base deleted (A; older notation c.3098delA).
Protein change: p.Lys1033fs; shifts the reading frame from lysine 1033.
Molecular consequence: frameshift variant.
Genome position (GRCh38, 1-based): chr15:48,488,478, T deleted on the plus strand (A on the coding strand, the reverse complement: FBN1 is on the minus strand); the first of 2 consecutive T bases (chr15:48,488,478-48,488,479); deleting either gives the same sequence. VCF-style (leftmost placement, unchanged base first): chr15-48488477-CT-C. GRCh37 (hg19) VCF-style: chr15-48780674-CT-C.
Other names: c.3098delA (NM_000138.4); short protein forms K1033fs.
Identifiers: ClinVar variation 457188 (VCV000457188.6), dbSNP rs1555398683, ClinGen allele CA658656492.
Genomic context (GRCh38, chr15:48,488,477, plus strand): 5'-GCACTTAAAGCTGCCAATGGTGTTTCTGCACTTGCCGTGGGTGCAGAGGCTGGGTATCAT[CT>C]TGCACTCATTGATATCTTCAAGAATAAGAAAATGTGGGGCAAAATAAGTTTATGAGCAAG-3'